The following is an entry in ClinVar:

ClinVar aggregate classification (germline): Uncertain significance. Review status: criteria provided, multiple submitters, no conflicts (2 of 4 stars). 2 submissions from 2 submitters: Uncertain significance (2). Last evaluated 2022-09-01.

Conditions:
Inborn genetic diseases. Identifiers: MedGen C0950123, MeSH D030342.
Sulfite oxidase deficiency. Also called: Isolated sulfite oxidase deficiency. Identifiers: Orphanet 833, Orphanet 99731, MedGen C0268624, MONDO:0010089, OMIM 272300, HP:0003643.

Allele frequency attached by ClinVar (database versions not stated): ExAC 0.00001; gnomAD exomes 0.00001; TOPMed 0.00003; gnomAD 0.00005.

Submissions (2):

Labcorp Genetics (formerly Invitae), Labcorp
Classification: Uncertain significance for Sulfite oxidase deficiency. Last evaluated: 2022-09-01. Review status: criteria provided, single submitter. Criteria: Invitae Variant Classification Sherloc (09022015). Collection method: clinical testing. Allele origin: germline.
Comment: This sequence change replaces histidine, which is basic and polar, with arginine, which is basic and polar, at codon 540 of the SUOX protein (p.His540Arg). This variant is present in population databases (rs747051877, gnomAD 0.02%). This variant has not been reported in the literature in individuals affected with SUOX-related conditions. Algorithms developed to predict the effect of missense changes on protein structure and function output the following: SIFT: "Tolerated"; PolyPhen-2: "Benign"; Align-GVGD: "Class C0". The arginine amino acid residue is found in multiple mammalian species, which suggests that this missense change does not adversely affect protein function. In summary, the available evidence is currently insufficient to determine the role of this variant in disease. Therefore, it has been classified as a Variant of Uncertain Significance.

Ambry Genetics
Classification: Uncertain significance for Inborn genetic diseases. Last evaluated: 2022-06-24. Review status: criteria provided, single submitter. Criteria: Ambry Variant Classification Scheme 2023. Collection method: clinical testing. Allele origin: germline.

NM_001032386.2(SUOX):c.1619A>G (p.His540Arg)

Gene: SUOX (sulfite oxidase; plus strand). Cytogenetic location: 12q13.2.
Variant type: single nucleotide variant.
Coding change: c.1619A>G on transcript NM_001032386.2 (MANE Select); coding-DNA position 1619, A replaced by G.
Protein change: p.His540Arg; replaces histidine 540 with arginine.
Molecular consequence: missense variant.
Genome position (GRCh38, 1-based): chr12:56,005,008, A>G. VCF-style: chr12-56005008-A-G. GRCh37 (hg19) VCF-style: chr12-56398792-A-G.
Other names: c.1619A>G (NM_000456.2); c.1619A>G, p.His540Arg (NM_000456.3, NM_001032387.2); short protein forms H540R.
Identifiers: ClinVar variation 2175757 (VCV002175757.2), dbSNP rs747051877, ClinGen allele CA6621192.
Genomic context (GRCh38, chr12:56,005,008, plus strand): 5'-ACACCGTGGCCCCAATCTGGAACCTGCGAGGTGTTCTCAGCAATGCCTGGCATCGTGTCC[A>G]TGTCTATGTCTCCCCATGAGCATGGAAAGGAGCCACCTCCACCCCTTTCCCCACCCATTA-3'
Protein context (NP_001027558.1, residues 530-545): GVLSNAWHRV[His540Arg]VYVSP